The following is an entry in ClinVar:

NM_018051.5(DYNC2I1):c.1426C>T (p.Arg476Cys)

Gene: DYNC2I1 (dynein 2 intermediate chain 1; plus strand). Cytogenetic location: 7q36.3.
Variant type: single nucleotide variant.
Coding change: c.1426C>T on transcript NM_018051.5 (MANE Select); coding-DNA position 1426, C replaced by T.
Protein change: p.Arg476Cys; replaces arginine 476 with cysteine.
Molecular consequence: missense variant. On other transcripts: intron variant (1).
Genome position (GRCh38, 1-based): chr7:158,906,057, C>T. VCF-style: chr7-158906057-C-T. GRCh37 (hg19) VCF-style: chr7-158698748-C-T.
Other names: c.1288C>T, p.Arg430Cys (NM_001350914.2); c.853C>T, p.Arg285Cys (NM_001350915.2); c.178C>T, p.Arg60Cys (NM_001350917.2, NM_001350918.2); c.-2+3462C>T (NM_001350916.2); short protein forms R285C, R430C, R476C, R60C.
Identifiers: ClinVar variation 1690639 (VCV001690639.2), dbSNP rs986989236, ClinGen allele CA170062758.

ClinVar aggregate classification (germline): Uncertain significance (1 of 4 stars; one submission).

Allele frequency attached by ClinVar (database versions not stated): gnomAD exomes below 0.00001; TOPMed 0.00002; gnomAD 0.00001.
gnomAD v4.1: 9 of 1,613,506 alleles (0.00056%); highest among the groups gnomAD compares: South Asian, 0.0033%; no homozygotes.

Submission:

Laboratorio de Genetica e Diagnostico Molecular, Hospital Israelita Albert Einstein
Classification: Uncertain significance. Last evaluated: 2021-05-20. Review status: criteria provided, single submitter. Criteria: ACMG Guidelines, 2015. Collection method: clinical testing. Allele origin: germline. Affected: yes.
Comment: ACMG classification criteria: BP4